The following is an entry in ClinVar:

NM_001288705.3(CSF1R):c.1704G>A (p.Gln568=)

Gene: CSF1R (colony stimulating factor 1 receptor; minus strand). Cytogenetic location: 5q32.
Variant type: single nucleotide variant.
Coding change: c.1704G>A on transcript NM_001288705.3 (MANE Select); coding-DNA position 1704, G replaced by A.
Protein change: p.Gln568=; no amino-acid change (glutamine 568 retained).
Molecular consequence: synonymous variant. On other transcripts: non-coding transcript variant (2).
Genome position (GRCh38, 1-based): chr5:150,061,772, C>T on the plus strand (G>A on the coding strand, the complement: CSF1R is on the minus strand). VCF-style: chr5-150061772-C-T. GRCh37 (hg19) VCF-style: chr5-149441335-C-T.
Other names: c.1704G>A (NM_005211.3); c.1704G>A, p.Gln568= (NM_001349736.2, NM_001375320.1, NM_005211.4); c.1260G>A, p.Gln420= (NM_001375321.1).
Identifiers: ClinVar variation 2787946 (VCV002787946.5), dbSNP rs771243135, ClinGen allele CA3506733.

ClinVar aggregate classification (germline): Likely benign. Review status: criteria provided, single submitter (1 of 4 stars). 2 submissions from 2 submitters: Likely benign (1). 1 of the submissions does not count toward it. Last evaluated 2023-05-30.

Conditions:
CSF1R-related disorder. Also called: CSF1R-related condition. Identifiers: MedGen CN379780, MONDO:0100632.

Allele frequency attached by ClinVar (database versions not stated): TOPMed below 0.00001; ExAC 0.00001; gnomAD 0.00001; gnomAD exomes 0.00001.
gnomAD v4.1: 12 of 1,614,096 alleles (0.00074%); highest among the groups gnomAD compares: Non-Finnish European, 0.001%; no homozygotes.

Submissions (2):

Labcorp Genetics (formerly Invitae), Labcorp
Classification: Likely benign. Last evaluated: 2023-05-30. Review status: criteria provided, single submitter. Criteria: Invitae Variant Classification Sherloc (09022015). Collection method: clinical testing. Allele origin: germline.

PreventionGenetics, part of Exact Sciences
Classification: Likely benign for CSF1R-related condition. Last evaluated: 2023-02-01. Review status: no assertion criteria provided. Collection method: clinical testing. Allele origin: germline. Not counted in ClinVar's aggregate classification.
Comment: This variant is classified as likely benign based on ACMG/AMP sequence variant interpretation guidelines (Richards et al. 2015 PMID: 25741868, with internal and published modifications).